The following is an entry in ClinVar:

ClinVar aggregate classification (germline): Uncertain significance. Review status: criteria provided, multiple submitters, no conflicts (2 of 4 stars). 5 submissions from 5 submitters: Uncertain significance (5). Last evaluated 2026-02-13.

Conditions:
Cardiovascular phenotype. Identifiers: MedGen CN230736.
Catecholaminergic polymorphic ventricular tachycardia 1. Also called: RYR2-Related Catecholaminergic Polymorphic Ventricular Tachycardia; VENTRICULAR TACHYCARDIA, CATECHOLAMINERGIC POLYMORPHIC, 1, WITH OR WITHOUT ATRIAL DYSFUNCTION AND/OR DILATED CARDIOMYOPATHY; VENTRICULAR TACHYCARDIA, STRESS-INDUCED POLYMORPHIC 1. Identifiers: Orphanet 3286, MedGen C1631597, MONDO:0011484, OMIM 604772.
Catecholaminergic polymorphic ventricular tachycardia (CVPT). Also called: Catecholamine-induced polymorphic ventricular tachycardia. Identifiers: Orphanet 3286, MedGen C5574922, MONDO:0017990.

gnomAD v4.1: 3 of 1,613,790 alleles (0.00019%); highest among the groups gnomAD compares: South Asian, 0.0011%; no homozygotes.

Submissions (5):

Ambry Genetics
Classification: Uncertain significance for Cardiovascular phenotype. Last evaluated: 2026-02-13. Review status: criteria provided, single submitter. Criteria: Ambry Variant Classification Scheme 2023. Collection method: clinical testing. Allele origin: germline.
Comment: The p.R296Q variant (also known as c.887G>A), located in coding exon 12 of the RYR2 gene, results from a G to A substitution at nucleotide position 887. The arginine at codon 296 is replaced by glutamine, an amino acid with highly similar properties. This amino acid position is conserved. In addition, this alteration is predicted to be deleterious by in silico analysis. Based on the available evidence, the clinical significance of this variant remains unclear.

ARUP Laboratories, Molecular Genetics and Genomics, ARUP Laboratories
Classification: Uncertain significance. Last evaluated: 2025-05-09. Review status: criteria provided, single submitter. Criteria: ARUP Molecular Germline Variant Investigation Process 2024. Collection method: clinical testing. Allele origin: germline.
Comment: The RYR2 c.887G>A; p.Arg296Gln variant (rs1705763277), to our knowledge, is not reported in the medical literature but is reported in ClinVar (Variation ID: 1007899). This variant is also absent from the Genome Aggregation Database (v2.1.1), indicating it is not a common polymorphism. Computational analyses predict that this variant is deleterious (REVEL: 0.865). However, given the lack of clinical and functional data, the significance of this variant is uncertain at this time.

Labcorp Genetics (formerly Invitae), Labcorp
Classification: Uncertain significance for Catecholaminergic polymorphic ventricular tachycardia 1. Last evaluated: 2024-11-13. Review status: criteria provided, single submitter. Criteria: Invitae Variant Classification Sherloc (09022015). Collection method: clinical testing. Allele origin: germline.
Comment: This sequence change replaces arginine, which is basic and polar, with glutamine, which is neutral and polar, at codon 296 of the RYR2 protein (p.Arg296Gln). This variant is not present in population databases (gnomAD no frequency). This variant has not been reported in the literature in individuals affected with RYR2-related conditions. ClinVar contains an entry for this variant (Variation ID: 1007899). Invitae Evidence Modeling of protein sequence and biophysical properties (such as structural, functional, and spatial information, amino acid conservation, physicochemical variation, residue mobility, and thermodynamic stability) indicates that this missense variant is expected to disrupt RYR2 protein function with a positive predictive value of 95%. In summary, the available evidence is currently insufficient to determine the role of this variant in disease. Therefore, it has been classified as a Variant of Uncertain Significance.

All of Us Research Program, National Institutes of Health
Classification: Uncertain significance for Catecholaminergic polymorphic ventricular tachycardia. Last evaluated: 2023-12-01. Review status: criteria provided, single submitter. Criteria: ACMG Guidelines, 2015. Collection method: clinical testing. Allele origin: germline. Inheritance: Autosomal dominant inheritance. Observed: 1 variant allele, 1 heterozygote.
Comment: This study involves interpretation of variants in research participants for the purpose of population health screening. Participant phenotype was not available at the time of variant classification. Additional details can be found in publication PMID: 35346344, PMCID: PMC8962531

Blueprint Genetics
Classification: Uncertain significance. Last evaluated: 2021-12-27. Review status: criteria provided, single submitter. Criteria: ACMG Guidelines, 2015. Collection method: clinical testing. Allele origin: germline.

NM_001035.3(RYR2):c.887G>A (p.Arg296Gln)

Gene: RYR2 (ryanodine receptor 2; plus strand). Cytogenetic location: 1q43.
Variant type: single nucleotide variant.
Coding change: c.887G>A on transcript NM_001035.3 (MANE Select); coding-DNA position 887, G replaced by A.
Protein change: p.Arg296Gln; replaces arginine 296 with glutamine.
Molecular consequence: missense variant.
Genome position (GRCh38, 1-based): chr1:237,423,130, G>A. VCF-style: chr1-237423130-G-A. GRCh37 (hg19) VCF-style: chr1-237586430-G-A.
Other names: c.887G>A (NM_001035.2); short protein forms R296Q.
Identifiers: ClinVar variation 1007899 (VCV001007899.13), dbSNP rs1705763277, ClinGen allele CA345385256.